The following is an entry in ClinVar:

NM_000092.5(COL4A4):c.327G>C (p.Lys109Asn)

Gene: COL4A4 (collagen type IV alpha 4 chain; minus strand). Cytogenetic location: 2q36.3.
Variant type: single nucleotide variant.
Coding change: c.327G>C on transcript NM_000092.5 (MANE Select); coding-DNA position 327, G replaced by C.
Protein change: p.Lys109Asn; replaces lysine 109 with asparagine.
Molecular consequence: missense variant.
Genome position (GRCh38, 1-based): chr2:227,121,014, C>G on the plus strand (G>C on the coding strand, the complement: COL4A4 is on the minus strand). VCF-style: chr2-227121014-C-G. GRCh37 (hg19) VCF-style: chr2-227985730-C-G.
Other names: short protein forms K109N.
Identifiers: ClinVar variation 4976033 (VCV004976033.1).
Genomic context (GRCh38, chr2:227,121,014, plus strand): 5'-AAATGGTGCAGTAGTGCTGGTGAGTCTTTCATGTGAATCTCCACATAAGATGTGGCTTAC[C>G]TTATCTCCTTTGTCCCCTGCTGCTCCAGGAGGGCCGCGGTCCCCTCTCATTCCTTTCTCT-3'
Protein context (NP_000083.3, residues 99-119): PPGAAGDKGD[Lys109Asn]GPTGVPGFPG

ClinVar aggregate classification (germline): Uncertain significance (1 of 4 stars; one submission).

Submission:

GeneDx
Classification: Uncertain significance. Last evaluated: 2026-02-07. Review status: criteria provided, single submitter. Criteria: GeneDx Variant Classification Process June 2021. Collection method: clinical testing. Allele origin: germline.
Comment: Not observed at significant frequency in large population cohorts (gnomAD); In silico analysis supports that this missense variant has a deleterious effect on protein structure/function; Has not been previously published as pathogenic or benign to our knowledge; Occurs in the triple helical domain at the Y position in the canonical Gly-X-Y repeat; although this variant may have an effect on normal protein folding and function, missense substitution at the Y position is not a common mechanism of disease